The following is an entry in ClinVar:

NM_001164586.2(IGFN1):c.5091G>A (p.Gly1697=)

Gene: IGFN1 (immunoglobulin like and fibronectin type III domain containing 1; plus strand). Cytogenetic location: 1q32.1.
Variant type: single nucleotide variant.
Coding change: c.5091G>A on transcript NM_001164586.2 (MANE Select); coding-DNA position 5091, G replaced by A.
Protein change: p.Gly1697=; no amino-acid change (glycine 1697 retained).
Molecular consequence: synonymous variant. On other transcripts: intron variant (1).
Genome position (GRCh38, 1-based): chr1:201,209,984, G>A. VCF-style: chr1-201209984-G-A. GRCh37 (hg19) VCF-style: chr1-201179112-G-A.
Other names: c.1242-3522G>A (NM_001367841.1).
Identifiers: ClinVar variation 2639752 (VCV002639752.24), dbSNP rs2465099171, ClinGen allele CA422818419.
Genomic context (GRCh38, chr1:201,209,984, plus strand): 5'-TTTGGGGGCTCCTGAGGGAATAGGTTCAGGGAGTAAGGCAGGTTTTAGGGATGGTTTAGG[G>A]AGTTCTGTAGAAATGGGGTCAGTGAATGAGGCAGGTTATAGGAAGGATTTGGGGGCTCCT-3'
Protein context (NP_001158058.1, residues 1687-1707): GSKAGFRDGL[Gly1697=]SSVEMGSVNE

ClinVar aggregate classification (germline): Likely benign (1 of 4 stars; one submission).

Allele frequency attached by ClinVar (database versions not stated): gnomAD exomes 0.00001.

Submission:

CeGaT Center for Human Genetics Tuebingen
Classification: Likely benign. Last evaluated: 2024-10-01. Review status: criteria provided, single submitter. Criteria: CeGaT Center For Human Genetics Tuebingen Variant Classification Criteria Version 2. Collection method: clinical testing. Allele origin: germline. Affected: yes. Observed: 4 variant alleles.
Comment: IGFN1: BP4, BP7